The following is an entry in ClinVar:

NM_000203.5(IDUA):c.1592G>A (p.Arg531Gln)

Gene: IDUA (alpha-L-iduronidase; plus strand). Cytogenetic location: 4p16.3.
Variant type: single nucleotide variant.
Coding change: c.1592G>A on transcript NM_000203.5 (MANE Select); coding-DNA position 1592, G replaced by A.
Protein change: p.Arg531Gln; replaces arginine 531 with glutamine.
Molecular consequence: missense variant. On other transcripts: non-coding transcript variant (1).
Genome position (GRCh38, 1-based): chr4:1,003,412, G>A. VCF-style: chr4-1003412-G-A. GRCh37 (hg19) VCF-style: chr4-997200-G-A.
Other names: c.1196G>A, p.Arg399Gln (NM_001363576.1); short protein forms R531Q, R399Q.
Identifiers: ClinVar variation 2152419 (VCV002152419.1), dbSNP rs920228043, ClinGen allele CA91170772.

ClinVar aggregate classification (germline): Uncertain significance (1 of 4 stars; one submission).

Conditions:
Mucopolysaccharidosis type 1. Also called: IDUA deficiency; MPS I. Identifiers: Orphanet 579, MedGen C0023786, MONDO:0001586.

Allele frequency attached by ClinVar (database versions not stated): gnomAD exomes 0.00002.
gnomAD v4.1: 38 of 1,526,150 alleles (0.0025%); highest among the groups gnomAD compares: Non-Finnish European, 0.0027%; no homozygotes.

Submission:

Labcorp Genetics (formerly Invitae), Labcorp
Classification: Uncertain significance for Mucopolysaccharidosis type 1. Last evaluated: 2022-03-28. Review status: criteria provided, single submitter. Criteria: Invitae Variant Classification Sherloc (09022015). Collection method: clinical testing. Allele origin: germline.
Comment: This sequence change replaces arginine, which is basic and polar, with glutamine, which is neutral and polar, at codon 531 of the IDUA protein (p.Arg531Gln). This variant is not present in population databases (gnomAD no frequency). This variant has not been reported in the literature in individuals affected with IDUA-related conditions. Advanced modeling of protein sequence and biophysical properties (such as structural, functional, and spatial information, amino acid conservation, physicochemical variation, residue mobility, and thermodynamic stability) performed at Invitae indicates that this missense variant is not expected to disrupt IDUA protein function. Algorithms developed to predict the effect of sequence changes on RNA splicing suggest that this variant may create or strengthen a splice site. In summary, the available evidence is currently insufficient to determine the role of this variant in disease. Therefore, it has been classified as a Variant of Uncertain Significance.